The following is an entry in ClinVar:

NM_174916.3(UBR1):c.3710A>C (p.Gln1237Pro)

Gene: UBR1 (ubiquitin protein ligase E3 component n-recognin 1; minus strand). Cytogenetic location: 15q15.2.
Variant type: single nucleotide variant.
Coding change: c.3710A>C on transcript NM_174916.3 (MANE Select); coding-DNA position 3710, A replaced by C.
Protein change: p.Gln1237Pro; replaces glutamine 1237 with proline.
Molecular consequence: missense variant.
Genome position (GRCh38, 1-based): chr15:42,998,215, T>G on the plus strand (A>C on the coding strand, the complement: UBR1 is on the minus strand). VCF-style: chr15-42998215-T-G. GRCh37 (hg19) VCF-style: chr15-43290413-T-G.
Other names: c.3710A>C (NM_174916.2); short protein forms Q1237P.
Identifiers: ClinVar variation 2196535 (VCV002196535.2), dbSNP rs375380714, ClinGen allele CA7518104.
Genomic context (GRCh38, chr15:42,998,215, plus strand): 5'-AATTTAAGCAAACCTTTAGCATGTCTTATATTATAACCTGATATTCTGGCCAGAACAGTC[T>G]GTATCCACCGTGCCAGGGTCAAAAGTTGAGCAAGAGCATCTGCATTCTCACTGAAAAATG-3'
Protein context (NP_777576.1, residues 1227-1247): AQLLTLARWI[Gln1237Pro]TVLARISGYN

ClinVar aggregate classification (germline): Uncertain significance. Review status: criteria provided, multiple submitters, no conflicts (2 of 4 stars). 2 submissions from 2 submitters: Uncertain significance (2). Last evaluated 2024-03-18.

Conditions:
Inborn genetic diseases. Identifiers: MedGen C0950123, MeSH D030342.

Allele frequency attached by ClinVar (database versions not stated): TOPMed 0.00005; ExAC 0.00008; ESP Exome Variant Server 0.00008; gnomAD 0.00008; gnomAD exomes 0.00023.
gnomAD v4.1: 347 of 1,613,928 alleles (0.022%); highest among the groups gnomAD compares: Non-Finnish European, 0.028%; no homozygotes.

Submissions (2):

Ambry Genetics
Classification: Uncertain significance for Inborn genetic diseases. Last evaluated: 2024-03-18. Review status: criteria provided, single submitter. Criteria: Ambry Variant Classification Scheme 2023. Collection method: clinical testing. Allele origin: germline.

Labcorp Genetics (formerly Invitae), Labcorp
Classification: Uncertain significance. Last evaluated: 2021-12-18. Review status: criteria provided, single submitter. Criteria: Invitae Variant Classification Sherloc (09022015). Collection method: clinical testing. Allele origin: germline.
Comment: This sequence change replaces glutamine, which is neutral and polar, with proline, which is neutral and non-polar, at codon 1237 of the UBR1 protein (p.Gln1237Pro). This variant is present in population databases (rs375380714, gnomAD 0.02%). This variant has not been reported in the literature in individuals affected with UBR1-related conditions. Algorithms developed to predict the effect of missense changes on protein structure and function output the following: SIFT: "Tolerated"; PolyPhen-2: "Benign"; Align-GVGD: "Class C0". The proline amino acid residue is found in multiple mammalian species, which suggests that this missense change does not adversely affect protein function. In summary, the available evidence is currently insufficient to determine the role of this variant in disease. Therefore, it has been classified as a Variant of Uncertain Significance.